The following is an entry in ClinVar:

ClinVar aggregate classification (germline): Conflicting classifications of pathogenicity. Review status: criteria provided, conflicting classifications (1 of 4 stars). 4 submissions from 4 submitters: Uncertain significance (2); Likely benign (2). Last evaluated 2025-12-31.

Conditions:
Inborn genetic diseases. Identifiers: MedGen C0950123, MeSH D030342.

Allele frequency attached by ClinVar (database versions not stated): ExAC 0.00007; gnomAD exomes 0.00012 and 0.00039; TOPMed 0.00014; gnomAD 0.00018 and 0.00020; ESP Exome Variant Server 0.00023.
gnomAD v4.1: 582 of 1,609,908 alleles (0.036%); highest among the groups gnomAD compares: Non-Finnish European, 0.048%; no homozygotes.

Submissions (4):

Labcorp Genetics (formerly Invitae), Labcorp
Classification: Uncertain significance. Last evaluated: 2025-12-31. Review status: criteria provided, single submitter. Criteria: Invitae Variant Classification Sherloc (09022015). Collection method: clinical testing. Allele origin: germline.
Comment: This sequence change replaces threonine, which is neutral and polar, with methionine, which is neutral and non-polar, at codon 508 of the TCF3 protein (p.Thr508Met). This variant is present in population databases (rs139492270, gnomAD 0.03%). This variant has not been reported in the literature in individuals affected with TCF3-related conditions. ClinVar contains an entry for this variant (Variation ID: 1496192). Invitae Evidence Modeling of protein sequence and biophysical properties (such as structural, functional, and spatial information, amino acid conservation, physicochemical variation, residue mobility, and thermodynamic stability) indicates that this missense variant is not expected to disrupt TCF3 protein function with a negative predictive value of 80%. In summary, the available evidence is currently insufficient to determine the role of this variant in disease. Therefore, it has been classified as a Variant of Uncertain Significance.

CeGaT Center for Human Genetics Tuebingen
Classification: Likely benign. Last evaluated: 2025-08-01. Review status: criteria provided, single submitter. Criteria: CeGaT Center For Human Genetics Tuebingen Variant Classification Criteria Version 2. Collection method: clinical testing. Allele origin: germline. Affected: yes. Observed: 1 variant allele.
Comment: TCF3: BP4

Blueprint Genetics
Classification: Likely benign. Last evaluated: 2024-10-28. Review status: criteria provided, single submitter. Criteria: ACMG Guidelines, 2015. Collection method: clinical testing. Allele origin: germline.

Ambry Genetics
Classification: Uncertain significance for Inborn genetic diseases. Last evaluated: 2024-08-05. Review status: criteria provided, single submitter. Criteria: Ambry Variant Classification Scheme 2023. Collection method: clinical testing. Allele origin: germline.

NM_003200.5(TCF3):c.1523C>T (p.Thr508Met)

Gene: TCF3 (transcription factor 3; minus strand). Cytogenetic location: 19p13.3.
Variant type: single nucleotide variant.
Coding change: c.1523C>T on transcript NM_003200.5 (MANE Select); coding-DNA position 1523, C replaced by T.
Protein change: p.Thr508Met; replaces threonine 508 with methionine.
Molecular consequence: missense variant.
Genome position (GRCh38, 1-based): chr19:1,615,749, G>A on the plus strand (C>T on the coding strand, the complement: TCF3 is on the minus strand). VCF-style: chr19-1615749-G-A. GRCh37 (hg19) VCF-style: chr19-1615748-G-A.
Other names: c.1523C>T, p.Thr508Met (NM_001136139.4, NM_001351779.2); c.1520C>T, p.Thr507Met (NM_001351778.2); c.1523C>T (NM_003200.3); short protein forms T507M, T508M.
Identifiers: ClinVar variation 1496192 (VCV001496192.17), dbSNP rs139492270, ClinGen allele CA9049785.